The following is an entry in ClinVar:

ClinVar aggregate classification (germline): Benign. Review status: criteria provided, multiple submitters, no conflicts (2 of 4 stars). 6 submissions from 6 submitters: Benign (6). Last evaluated 2026-02-01.

Conditions:
Cenani-Lenz syndactyly syndrome. Also called: SYNDACTYLY, TYPE VII; CENANI SYNDACTYLISM. Identifiers: Orphanet 3258, MedGen C1859309, MONDO:0008931, OMIM 212780.
Congenital myasthenic syndrome 17. Identifiers: Orphanet 590, MedGen C4225377, MONDO:0014578, OMIM 616304.
Sclerosteosis 2 (SOST2). Identifiers: Orphanet 3152, MedGen C3280402, MONDO:0013679, OMIM 614305.

Allele frequency attached by ClinVar (database versions not stated): 1000 Genomes Project 0.00599; 1000 Genomes Project 30x 0.00656; TOPMed 0.00845; gnomAD 0.00936; ESP Exome Variant Server 0.00985; gnomAD exomes 0.01125 and 0.01252; ExAC 0.01205.
gnomAD v4.1: 19,682 of 1,614,108 alleles (1.2%); highest among the groups gnomAD compares: Middle Eastern, 2%; 165 homozygotes.

Submissions (6):

Labcorp Genetics (formerly Invitae), Labcorp
Classification: Benign for Cenani-Lenz syndactyly syndrome; Sclerosteosis 2; Congenital myasthenic syndrome 17. Last evaluated: 2026-02-01. Review status: criteria provided, single submitter. Criteria: Invitae Variant Classification Sherloc (09022015). Collection method: clinical testing. Allele origin: germline.

CeGaT Center for Human Genetics Tuebingen
Classification: Benign. Last evaluated: 2024-03-01. Review status: criteria provided, single submitter. Criteria: CeGaT Center For Human Genetics Tuebingen Variant Classification Criteria Version 2. Collection method: clinical testing. Allele origin: germline. Affected: yes. Observed: 8 variant alleles.
Comment: LRP4: BP4, BP7, BS1, BS2

GeneDx
Classification: Benign. Last evaluated: 2021-04-22. Review status: criteria provided, single submitter. Criteria: GeneDx Variant Classification Process June 2021. Collection method: clinical testing. Allele origin: germline. Affected: yes.

Mayo Clinic Laboratories, Mayo Clinic
Classification: Benign. Last evaluated: 2020-01-10. Review status: criteria provided, single submitter. Criteria: ACMG Guidelines, 2015. Collection method: clinical testing. Allele origin: germline. Observed: 5 variant alleles.

Illumina Laboratory Services, Illumina
Classification: Benign for Cenani-Lenz syndactyly syndrome. Last evaluated: 2017-04-27. Review status: criteria provided, single submitter. Criteria: ICSL Variant Classification Criteria 13 December 2019. Collection method: clinical testing. Allele origin: germline.
Comment: This variant was observed as part of a predisposition screen in an ostensibly healthy population. A literature search was performed for the gene, cDNA change, and amino acid change (where applicable). No publications were found based on this search. Allele frequency data from public databases was too high to be consistent with this variant causing disease. Therefore, this variant is classified as benign.

Breakthrough Genomics
Classification: Benign. Review status: criteria provided, single submitter. Criteria: ACMG Guidelines, 2015. Collection method: not provided. Allele origin: germline. Inheritance: Autosomal recessive inheritance. Affected: yes.

NM_002334.4(LRP4):c.5010G>A (p.Val1670=)

Genes: LRP4 (LDL receptor related protein 4; minus strand), LRP4-AS1 (LRP4 antisense RNA 1; plus strand). Cytogenetic location: 11p11.2.
Variant type: single nucleotide variant.
Coding change: c.5010G>A on transcript NM_002334.4 (MANE Select); coding-DNA position 5010, G replaced by A.
Protein change: p.Val1670=; no amino-acid change (valine 1670 retained).
Molecular consequence: synonymous variant.
Genome position (GRCh38, 1-based): chr11:46,868,056, C>T on the plus strand (G>A on the coding strand, the complement: LRP4 is on the minus strand). VCF-style: chr11-46868056-C-T. GRCh37 (hg19) VCF-style: chr11-46889607-C-T.
Other names: p.Val1670=.
Identifiers: ClinVar variation 467791 (VCV000467791.51), dbSNP rs111426027, ClinGen allele CA5969173.
Genomic context (GRCh38, chr11:46,868,056, plus strand): 5'-CAGAGACGTGCGGGTCCGGGTGGTTGAAGAATACAAGGTGGTAGGTGGTGTGTTGGGTAG[C>T]ACTGGGCTCTTTTCACTCATGCCAGTAGCCCTAGGAGCTGGTGGTACCAGGCCAGGCACT-3'
Protein context (NP_002325.2, residues 1660-1680): RATGMSEKSP[Val1670=]LPNTPPTTLY